The following is an entry in ClinVar:

NM_198576.4(AGRN):c.3163T>C (p.Ser1055Pro)

Gene: AGRN (agrin; plus strand). Cytogenetic location: 1p36.33.
Variant type: single nucleotide variant.
Coding change: c.3163T>C on transcript NM_198576.4 (MANE Select); coding-DNA position 3163, T replaced by C.
Protein change: p.Ser1055Pro; replaces serine 1055 with proline.
Molecular consequence: missense variant.
Genome position (GRCh38, 1-based): chr1:1,046,648, T>C. VCF-style: chr1-1046648-T-C. GRCh37 (hg19) VCF-style: chr1-982028-T-C.
Other names: c.3163T>C, p.Ser1055Pro (NM_001305275.2); c.2848T>C, p.Ser950Pro (NM_001364727.2); short protein forms S1055P, S950P.
Identifiers: ClinVar variation 4868274 (VCV004868274.1).
Genomic context (GRCh38, chr1:1,046,648, plus strand): 5'-GTGTGGCCCGTGCTGACGGTGCCCCCCACGGCACCCTCCCCTGCACCCAGCCTGGTGGCG[T>C]CCGCCTTTGGTGAATCTGGCAGCACTGATGGAAGCAGCGATGAGGAACTGAGCGGGGACC-3'
Protein context (NP_940978.2, residues 1045-1065): APSPAPSLVA[Ser1055Pro]AFGESGSTDG

ClinVar aggregate classification (germline): Uncertain significance (1 of 4 stars; one submission).

Conditions:
Inborn genetic diseases. Identifiers: MedGen C0950123, MeSH D030342.

gnomAD v4.1: 23 of 1,596,384 alleles (0.0014%); highest among the groups gnomAD compares: Non-Finnish European, 0.002%; no homozygotes.

Submission:

Ambry Genetics
Classification: Uncertain significance for Inborn genetic diseases. Last evaluated: 2026-06-03. Review status: criteria provided, single submitter. Criteria: Ambry Variant Classification Scheme 2023. Collection method: clinical testing. Allele origin: germline.
Comment: The c.3163T>C (p.S1055P) alteration is located in exon 18 (coding exon 18) of the AGRN gene. This alteration results from a T to C substitution at nucleotide position 3163, causing the serine (S) at amino acid position 1055 to be replaced by a proline (P). Based on data from gnomAD, the C allele has an overall frequency of 0.003% (1/31328) total alleles studied. The highest observed frequency was 0.007% (1/15390) of European (non-Finnish) alleles. Based on insufficient or conflicting evidence, the clinical significance of this alteration remains unclear.